The following is an entry in ClinVar:

ClinVar aggregate classification (germline): Pathogenic/Likely pathogenic. Review status: criteria provided, multiple submitters, no conflicts (2 of 4 stars). 3 submissions from 3 submitters: Pathogenic (1); Likely pathogenic (1). 1 of the submissions does not count toward it. Last evaluated 2022-05-17.

Conditions:
Rubinstein-Taybi syndrome due to EP300 haploinsufficiency. Also called: EP300-Related Rubinstein-Taybi Syndrome; RUBINSTEIN-TAYBI SYNDROME 2. Identifiers: Orphanet 353284, Orphanet 783, MedGen C3150941, MONDO:0013364, OMIM 613684.
EP300-related disorder. Also called: EP300-related condition; EP300-related disorders.

Submissions (3):

GeneDx
Classification: Pathogenic. Last evaluated: 2022-05-17. Review status: criteria provided, single submitter. Criteria: GeneDx Variant Classification Process June 2021. Collection method: clinical testing. Allele origin: germline. Affected: yes.
Comment: Reported in a patient in published literature with features of Rubinstein-Taybi syndrome (Fergelot et al., 2016); In-frame deletion of 3 amino acids and insertion of 1 incorrect amino acid in a non-repeat region; Not observed at significant frequency in large population cohorts (gnomAD); In silico analysis supports a deleterious effect on protein structure/function; This variant is associated with the following publications: (PMID: 27648933)

Blueprint Genetics
Classification: Likely pathogenic for EP300-related disorders. Last evaluated: 2020-04-14. Review status: criteria provided, single submitter. Criteria: ACMG Guidelines, 2015. Collection method: clinical testing. Allele origin: germline. Affected: yes. Observed: 1 variant allele.

Molecular Genetics Laboratory, BC Children's and BC Women's Hospitals
Classification: Likely pathogenic for Rubinstein-Taybi syndrome due to EP300 haploinsufficiency. Last evaluated: 2016-09-15. Review status: no assertion criteria provided. Criteria: ACMG Guidelines, 2015. Collection method: clinical testing. Allele origin: de novo. Affected: yes. Not counted in ClinVar's aggregate classification.

NM_001429.4(EP300):c.4371_4376del (p.Ile1457_Lys1459delinsMet)

Gene: EP300 (EP300 lysine acetyltransferase; plus strand). Cytogenetic location: 22q13.2.
Variant type: Deletion.
Coding change: c.4371_4376del on transcript NM_001429.4 (MANE Select); coding-DNA positions 4371 to 4376, 6 bases deleted (ACCCAA; older notation c.4371_4376delACCCAA).
Protein change: p.Ile1457_Lys1459delinsMet.
Molecular consequence: inframe indel.
Genome position (GRCh38, 1-based): chr22:41,170,490-41,170,495, ACCCAA deleted. VCF-style (leftmost placement, unchanged base first): chr22-41170489-TACCCAA-T. GRCh37 (hg19) VCF-style: chr22-41566493-TACCCAA-T.
Other names: c.4293_4298del, p.Ile1431_Lys1433delinsMet (NM_001362843.2); c.4371_4376delACCCAA (NM_001429.3).
Identifiers: ClinVar variation 438290 (VCV000438290.3), dbSNP rs1555911316, ClinGen allele CA645509364.